The following is an entry in ClinVar:

NM_017654.4(SAMD9):c.2021A>T (p.Glu674Val)

Gene: SAMD9 (sterile alpha motif domain containing 9; minus strand). Cytogenetic location: 7q21.2.
Variant type: single nucleotide variant.
Coding change: c.2021A>T on transcript NM_017654.4 (MANE Select); coding-DNA position 2021, A replaced by T.
Protein change: p.Glu674Val; replaces glutamic acid 674 with valine.
Molecular consequence: missense variant.
Genome position (GRCh38, 1-based): chr7:93,104,077, T>A on the plus strand (A>T on the coding strand, the complement: SAMD9 is on the minus strand). VCF-style: chr7-93104077-T-A. GRCh37 (hg19) VCF-style: chr7-92733390-T-A.
Other names: c.2021A>T, p.Glu674Val (NM_001193307.2); short protein forms E674V.
Identifiers: ClinVar variation 3949714 (VCV003949714.1).

ClinVar aggregate classification (germline): Uncertain significance (1 of 4 stars; one submission).

Conditions:
Inborn genetic diseases. Identifiers: MedGen C0950123, MeSH D030342.

Submission:

Ambry Genetics
Classification: Uncertain significance for Inborn genetic diseases. Last evaluated: 2025-06-08. Review status: criteria provided, single submitter. Criteria: Ambry Variant Classification Scheme 2023. Collection method: clinical testing. Allele origin: germline.
Comment: The p.E674V variant (also known as c.2021A>T), located in coding exon 1 of the SAMD9 gene, results from an A to T substitution at nucleotide position 2021. The glutamic acid at codon 674 is replaced by valine, an amino acid with dissimilar properties. This amino acid position is conserved. In addition, this alteration is predicted to be tolerated by in silico analysis. Based on the available evidence, the clinical significance of this variant remains unclear.